The following is an entry in ClinVar:

ClinVar aggregate classification (germline): Benign. Review status: criteria provided, multiple submitters, no conflicts (2 of 4 stars). 4 submissions from 4 submitters: Benign (4). Last evaluated 2026-01-27.

Allele frequency attached by ClinVar (database versions not stated): 1000 Genomes Project 30x 0.00843; gnomAD exomes 0.01745 and 0.02407; ESP Exome Variant Server 0.01830; gnomAD 0.01707 and 0.01754; ExAC 0.01758; 1000 Genomes Project 0.00859; TOPMed 0.01703.
gnomAD v4.1: 37,510 of 1,611,974 alleles (2.3%); highest among the groups gnomAD compares: Non-Finnish European, 2.7%; 521 homozygotes.

Submissions (4):

Labcorp Genetics (formerly Invitae), Labcorp
Classification: Benign. Last evaluated: 2026-01-27. Review status: criteria provided, single submitter. Criteria: Invitae Variant Classification Sherloc (09022015). Collection method: clinical testing. Allele origin: germline.

Mayo Clinic Laboratories, Mayo Clinic
Classification: Benign. Last evaluated: 2022-11-10. Review status: criteria provided, single submitter. Criteria: ACMG Guidelines, 2015. Collection method: clinical testing. Allele origin: germline. Observed: 12 variant alleles.
Comment: BA1, BP4

GeneDx
Classification: Benign. Last evaluated: 2020-07-24. Review status: criteria provided, single submitter. Criteria: GeneDx Variant Classification Process June 2021. Collection method: clinical testing. Allele origin: germline. Affected: yes.

Breakthrough Genomics
Classification: Benign. Review status: criteria provided, single submitter. Criteria: ACMG Guidelines, 2015. Collection method: not provided. Allele origin: germline. Inheritance: Autosomal recessive inheritance. Affected: yes.

NM_018480.7(TMEM126B):c.593C>T (p.Ala198Val)

Gene: TMEM126B (transmembrane protein 126B; plus strand). Cytogenetic location: 11q14.1.
Variant type: single nucleotide variant.
Coding change: c.593C>T on transcript NM_018480.7 (MANE Select); coding-DNA position 593, C replaced by T.
Protein change: p.Ala198Val; replaces alanine 198 with valine.
Molecular consequence: missense variant. On other transcripts: non-coding transcript variant (2).
Genome position (GRCh38, 1-based): chr11:85,636,129, C>T. VCF-style: chr11-85636129-C-T. GRCh37 (hg19) VCF-style: chr11-85347173-C-T.
Other names: p.Ala198Val; c.533C>T, p.Ala178Val (NM_001193537.3); c.503C>T, p.Ala168Val (NM_001193538.3, NM_001256546.2); c.455C>T, p.Ala152Val (NM_001256547.2); c.368C>T, p.Ala123Val (NM_001350393.1); c.593C>T (NM_018480.5); short protein forms A123V, A152V, A168V, A178V, A198V.
Identifiers: ClinVar variation 1170036 (VCV001170036.13), dbSNP rs17850847, ClinGen allele CA6212617.